The following is an entry in ClinVar:

ClinVar aggregate classification (germline): Uncertain significance (1 of 4 stars; one submission).

Conditions:
DK1-congenital disorder of glycosylation. Also called: DOLK-congenital disorder of glycosylation; Carbohydrate deficient glycoprotein syndrome type 1m; DK1-CDG; DK1 DEFICIENCY; DOLICHOL KINASE DEFICIENCY; CONGENITAL DISORDER OF GLYCOSYLATION, TYPE Im. Identifiers: Orphanet 91131, MedGen C1835849, MONDO:0012556, OMIM 610768.

Allele frequency attached by ClinVar (database versions not stated): gnomAD exomes below 0.00001; gnomAD 0.00001; TOPMed 0.00001.

Submission:

Labcorp Genetics (formerly Invitae), Labcorp
Classification: Uncertain significance for DK1-congenital disorder of glycosylation. Last evaluated: 2021-08-31. Review status: criteria provided, single submitter. Criteria: Invitae Variant Classification Sherloc (09022015). Collection method: clinical testing. Allele origin: germline.
Comment: In summary, the available evidence is currently insufficient to determine the role of this variant in disease. Therefore, it has been classified as a Variant of Uncertain Significance. Algorithms developed to predict the effect of missense changes on protein structure and function (SIFT, PolyPhen-2, Align-GVGD) all suggest that this variant is likely to be tolerated. This variant has not been reported in the literature in individuals affected with DOLK-related conditions. This variant is not present in population databases (ExAC no frequency). This sequence change replaces valine with phenylalanine at codon 150 of the DOLK protein (p.Val150Phe). The valine residue is weakly conserved and there is a small physicochemical difference between valine and phenylalanine.

NM_014908.4(DOLK):c.448G>T (p.Val150Phe)

Gene: DOLK (dolichol kinase; minus strand). Cytogenetic location: 9q34.11.
Variant type: single nucleotide variant.
Coding change: c.448G>T on transcript NM_014908.4 (MANE Select); coding-DNA position 448, G replaced by T.
Protein change: p.Val150Phe; replaces valine 150 with phenylalanine.
Molecular consequence: missense variant.
Genome position (GRCh38, 1-based): chr9:128,946,856, C>A on the plus strand (G>T on the coding strand, the complement: DOLK is on the minus strand). VCF-style: chr9-128946856-C-A. GRCh37 (hg19) VCF-style: chr9-131709135-C-A.
Other names: short protein forms V150F.
Identifiers: ClinVar variation 1441079 (VCV001441079.6), dbSNP rs900642092, ClinGen allele CA200445255.
Genomic context (GRCh38, chr9:128,946,856, plus strand): 5'-CTTCCAGGACTTCGATCACCTCCCCCACGCTCAACGAGTGCTTCATGATATAAATGATAA[C>A]ACCTCCAGCCAAGCCCAAGATGACACAAGTGTTGGTTGGCACTGGGCGAGTGATGCCGAG-3'
Protein context (NP_055723.1, residues 140-160): TCVILGLAGG[Val150Phe]IIYIMKHSLS